The following is an entry in ClinVar:

NM_031844.3(HNRNPU):c.284G>T (p.Gly95Val)

Gene: HNRNPU (heterogeneous nuclear ribonucleoprotein U; minus strand). Cytogenetic location: 1q44.
Variant type: single nucleotide variant.
Coding change: c.284G>T on transcript NM_031844.3 (MANE Select); coding-DNA position 284, G replaced by T.
Protein change: p.Gly95Val; replaces glycine 95 with valine.
Molecular consequence: missense variant.
Genome position (GRCh38, 1-based): chr1:244,864,024, C>A on the plus strand (G>T on the coding strand, the complement: HNRNPU is on the minus strand). VCF-style: chr1-244864024-C-A. GRCh37 (hg19) VCF-style: chr1-245027326-C-A.
Other names: c.284G>T, p.Gly95Val (NM_004501.3); short protein forms G95V.
Identifiers: ClinVar variation 2096441 (VCV002096441.4), dbSNP rs2527895543, ClinGen allele CA345497460.

ClinVar aggregate classification (germline): Uncertain significance (1 of 4 stars; one submission).

Conditions:
Developmental and epileptic encephalopathy, 54. Also called: Epileptic encephalopathy, early infantile, 54; HNRNPU-Related Neurodevelopmental Disorder. Identifiers: MedGen C4479319, MONDO:0033363, OMIM 617391.

Submission:

Labcorp Genetics (formerly Invitae), Labcorp
Classification: Uncertain significance for Developmental and epileptic encephalopathy, 54. Last evaluated: 2022-08-31. Review status: criteria provided, single submitter. Criteria: Invitae Variant Classification Sherloc (09022015). Collection method: clinical testing. Allele origin: germline.
Comment: Algorithms developed to predict the effect of missense changes on protein structure and function are either unavailable or do not agree on the potential impact of this missense change (SIFT: "Tolerated"; PolyPhen-2: "Probably Damaging"; Align-GVGD: "Class C0"). In summary, the available evidence is currently insufficient to determine the role of this variant in disease. Therefore, it has been classified as a Variant of Uncertain Significance. Algorithms developed to predict the effect of sequence changes on RNA splicing suggest that this variant may create or strengthen a splice site. This variant has not been reported in the literature in individuals affected with HNRNPU-related conditions. This variant is not present in population databases (gnomAD no frequency). This sequence change replaces glycine, which is neutral and non-polar, with valine, which is neutral and non-polar, at codon 95 of the HNRNPU protein (p.Gly95Val).